The following is an entry in ClinVar:

NM_001372.4(DNAH9):c.13314T>G (p.Asp4438Glu)

Gene: DNAH9 (dynein axonemal heavy chain 9; plus strand). Cytogenetic location: 17p12.
Variant type: single nucleotide variant.
Coding change: c.13314T>G on transcript NM_001372.4 (MANE Select); coding-DNA position 13314, T replaced by G.
Protein change: p.Asp4438Glu; replaces aspartic acid 4438 with glutamic acid.
Molecular consequence: missense variant.
Genome position (GRCh38, 1-based): chr17:11,969,380, T>G. VCF-style: chr17-11969380-T-G. GRCh37 (hg19) VCF-style: chr17-11872697-T-G.
Other names: c.2250T>G, p.Asp750Glu (NM_004662.2); short protein forms D750E, D4438E.
Identifiers: ClinVar variation 2852093 (VCV002852093.3), dbSNP rs2544962186, ClinGen allele CA398203032.

ClinVar aggregate classification (germline): Uncertain significance (1 of 4 stars; one submission).

Submission:

Labcorp Genetics (formerly Invitae), Labcorp
Classification: Uncertain significance. Last evaluated: 2023-04-04. Review status: criteria provided, single submitter. Criteria: Invitae Variant Classification Sherloc (09022015). Collection method: clinical testing. Allele origin: germline.
Comment: This sequence change replaces aspartic acid, which is acidic and polar, with glutamic acid, which is acidic and polar, at codon 4438 of the DNAH9 protein (p.Asp4438Glu). This variant is not present in population databases (gnomAD no frequency). In summary, the available evidence is currently insufficient to determine the role of this variant in disease. Therefore, it has been classified as a Variant of Uncertain Significance. Advanced modeling of protein sequence and biophysical properties (such as structural, functional, and spatial information, amino acid conservation, physicochemical variation, residue mobility, and thermodynamic stability) performed at Invitae indicates that this missense variant is not expected to disrupt DNAH9 protein function. This variant has not been reported in the literature in individuals affected with DNAH9-related conditions.